The following is an entry in ClinVar:

ClinVar aggregate classification (germline): Uncertain significance. Review status: criteria provided, multiple submitters, no conflicts (2 of 4 stars). 2 submissions from 2 submitters: Uncertain significance (2). Last evaluated 2026-07-31.

Conditions:
Hereditary cancer-predisposing syndrome. Also called: Hereditary Cancer Syndrome; Tumor predisposition; Hereditary neoplastic syndrome; Neoplastic Syndromes, Hereditary. Identifiers: Orphanet 140162, MedGen C0027672, MeSH D009386, MONDO:0015356.

Submissions (2):

Ambry Genetics
Classification: Uncertain significance for Hereditary cancer-predisposing syndrome. Last evaluated: 2026-07-31. Review status: criteria provided, single submitter. Criteria: Ambry Variant Classification Scheme 2023. Collection method: clinical testing. Allele origin: germline.
Comment: The p.G370D variant (also known as c.1109G>A) is located in coding exon 8 of the FH gene. The glycine at codon 370 is replaced by aspartic acid, an amino acid with similar properties. This amino acid position is well conserved in available vertebrate species. In addition, this alteration is predicted to be deleterious by in silico analysis. Based on the available evidence, the clinical significance of this variant remains unclear.

Labcorp Genetics (formerly Invitae), Labcorp
Classification: Uncertain significance. Last evaluated: 2018-02-25. Review status: criteria provided, single submitter. Criteria: Invitae Variant Classification Sherloc (09022015). Collection method: clinical testing. Allele origin: germline.
Comment: This sequence change replaces glycine with aspartic acid at codon 370 of the FH protein (p.Gly370Asp). The glycine residue is highly conserved and there is a moderate physicochemical difference between glycine and aspartic acid. In summary, the available evidence is currently insufficient to determine the role of this variant in disease. Therefore, it has been classified as a Variant of Uncertain Significance. Algorithms developed to predict the effect of sequence changes on RNA splicing suggest that this variant may disrupt the consensus splice site, but this prediction has not been confirmed by published transcriptional studies. Algorithms developed to predict the effect of missense changes on protein structure and function (SIFT, PolyPhen-2, Align-GVGD) all suggest that this variant is likely to be disruptive, but these predictions have not been confirmed by published functional studies and their clinical significance is uncertain. This variant has not been reported in the literature in individuals with FH-related disease. This variant is not present in population databases (ExAC no frequency).

NM_000143.4(FH):c.1109G>A (p.Gly370Asp)

Gene: FH (fumarate hydratase; minus strand). Cytogenetic location: 1q43.
Variant type: single nucleotide variant.
Coding change: c.1109G>A on transcript NM_000143.4 (MANE Select); coding-DNA position 1109, G replaced by A.
Protein change: p.Gly370Asp; replaces glycine 370 with aspartic acid.
Molecular consequence: missense variant.
Genome position (GRCh38, 1-based): chr1:241,502,570, C>T on the plus strand (G>A on the coding strand, the complement: FH is on the minus strand). VCF-style: chr1-241502570-C-T. GRCh37 (hg19) VCF-style: chr1-241665870-C-T.
Other names: short protein forms G370D.
Identifiers: ClinVar variation 529806 (VCV000529806.10), dbSNP rs1553340894, ClinGen allele CA345437719.